The following is an entry in ClinVar:

ClinVar aggregate classification (germline): Conflicting classifications of pathogenicity. Review status: criteria provided, conflicting classifications (1 of 4 stars). 2 submissions from 2 submitters: Likely pathogenic (1); Uncertain significance (1). Last evaluated 2025-07-02.

gnomAD v4.1: 84 of 1,614,058 alleles (0.0052%); highest among the groups gnomAD compares: Non-Finnish European, 0.0069%; no homozygotes.

Submissions (2):

Ambry Genetics
Classification: Uncertain significance. Last evaluated: 2025-07-02. Review status: criteria provided, single submitter. Criteria: Ambry Variant Classification Scheme 2023. Collection method: clinical testing. Allele origin: germline.

Advanced Center For Translational And Genetic Medicine, Ann & Robert H. Lurie Children's Hospital Of Chicago
Classification: Likely pathogenic. Last evaluated: 2024-07-29. Review status: criteria provided, single submitter. Criteria: ACMG Guidelines, 2015. Collection method: research, in vitro. Allele origin: maternal, not applicable. Affected: yes. Observed: 1 compound heterozygote. Functional consequence: loss_of_function_variant.
Comment: Well-established in vitro or in vivo functional studies supportive of a damaging effect on the gene or gene product (PS3), Extremely low frequency in gnomAD v4.1.0 (recessive condition) (PM2), Multiple computational tools support deleterious effect, CADD=21.8 and Mutation Taster predicts Disease Causing (PP3)

NM_024899.4(CEP76):c.1531T>A (p.Phe511Ile)

Genes: CEP76 (centrosomal protein 76; minus strand), PSMG2 (proteasome assembly chaperone 2; plus strand). Cytogenetic location: 18p11.21.
Variant type: single nucleotide variant.
Coding change: c.1531T>A on transcript NM_024899.4 (MANE Select); coding-DNA position 1531, T replaced by A.
Protein change: p.Phe511Ile; replaces phenylalanine 511 with isoleucine.
Molecular consequence: missense variant. On other transcripts: non-coding transcript variant (1), intron variant (1).
Genome position (GRCh38, 1-based): chr18:12,678,201, A>T on the plus strand (T>A on the coding strand, the complement: CEP76 is on the minus strand). VCF-style: chr18-12678201-A-T. GRCh37 (hg19) VCF-style: chr18-12678200-A-T.
Other names: c.1531T>A (NM_024899.2); c.1306T>A, p.Phe436Ile (NM_001271989.2); c.-37+19428A>T (NM_147163.2); short protein forms F436I, F511I.
Identifiers: ClinVar variation 4075836 (VCV004075836.2).